The following is an entry in ClinVar:

ClinVar aggregate classification (germline): Likely benign. Review status: criteria provided, multiple submitters, no conflicts (2 of 4 stars). 2 submissions from 2 submitters: Likely benign (2). Last evaluated 2026-06-01.

Allele frequency attached by ClinVar (database versions not stated): ExAC 0.00015; 1000 Genomes Project 30x 0.00016; 1000 Genomes Project 0.00020; gnomAD exomes 0.00027 and 0.00042; gnomAD 0.00031 and 0.00035; TOPMed 0.00041.
gnomAD v4.1: 436 of 1,535,976 alleles (0.028%); highest among the groups gnomAD compares: Middle Eastern, 0.34%; no homozygotes.

Submissions (2):

CeGaT Center for Human Genetics Tuebingen
Classification: Likely benign. Last evaluated: 2026-06-01. Review status: criteria provided, single submitter. Criteria: CeGaT Center For Human Genetics Tuebingen Variant Classification Criteria Version 2. Collection method: clinical testing. Allele origin: germline. Affected: yes. Observed: 3 variant alleles.
Comment: C2CD3: BP4

Labcorp Genetics (formerly Invitae), Labcorp
Classification: Likely benign. Last evaluated: 2026-01-05. Review status: criteria provided, single submitter. Criteria: Invitae Variant Classification Sherloc (09022015). Collection method: clinical testing. Allele origin: germline.

NM_001286577.2(C2CD3):c.6833A>G (p.Asn2278Ser)

Gene: C2CD3 (C2 domain containing 3 centriole elongation regulator; minus strand). Cytogenetic location: 11q13.4.
Variant type: single nucleotide variant.
Coding change: c.6833A>G on transcript NM_001286577.2 (MANE Select); coding-DNA position 6833, A replaced by G.
Protein change: p.Asn2278Ser; replaces asparagine 2278 with serine.
Molecular consequence: missense variant.
Genome position (GRCh38, 1-based): chr11:74,028,375, T>C on the plus strand (A>G on the coding strand, the complement: C2CD3 is on the minus strand). VCF-style: chr11-74028375-T-C. GRCh37 (hg19) VCF-style: chr11-73739420-T-C.
Other names: short protein forms N2278S.
Identifiers: ClinVar variation 444263 (VCV000444263.48), dbSNP rs199993353, ClinGen allele CA6181695.